The following is an entry in ClinVar:

ClinVar aggregate classification (germline): Uncertain significance. Review status: criteria provided, multiple submitters, no conflicts (2 of 4 stars). 2 submissions from 2 submitters: Uncertain significance (2). Last evaluated 2022-10-17.

Conditions:
Emery-Dreifuss muscular dystrophy 5, autosomal dominant (EDMD5). Also called: EMERY-DREIFUSS MUSCULAR DYSTROPHY 5. Identifiers: Orphanet 261, MedGen C2751805, MONDO:0013072, OMIM 612999.

Submissions (2):

Labcorp Genetics (formerly Invitae), Labcorp
Classification: Uncertain significance for Emery-Dreifuss muscular dystrophy 5, autosomal dominant. Last evaluated: 2022-10-17. Review status: criteria provided, single submitter. Criteria: Invitae Variant Classification Sherloc (09022015). Collection method: clinical testing. Allele origin: germline.
Comment: In summary, the available evidence is currently insufficient to determine the role of this variant in disease. Therefore, it has been classified as a Variant of Uncertain Significance. ClinVar contains an entry for this variant (Variation ID: 546740). This variant has not been reported in the literature in individuals affected with SYNE2-related conditions. This variant is present in population databases (rs750736888, gnomAD 0.003%). This sequence change creates a premature translational stop signal (p.Gln678Thrfs*7) in the SYNE2 gene. It is expected to result in an absent or disrupted protein product. However, the current clinical and genetic evidence is not sufficient to establish whether loss-of-function variants in SYNE2 cause disease.

CeGaT Center for Human Genetics Tuebingen
Classification: Uncertain significance. Last evaluated: 2018-02-01. Review status: criteria provided, single submitter. Criteria: CeGaT Center For Human Genetics Tuebingen Variant Classification Criteria Version 2. Collection method: clinical testing. Allele origin: germline. Affected: yes. Observed: 1 variant allele.

NM_182914.3(SYNE2):c.2031dup (p.Gln678fs)

Gene: SYNE2 (spectrin repeat containing nuclear envelope protein 2; plus strand). Cytogenetic location: 14q23.2.
Variant type: Duplication.
Coding change: c.2031dup on transcript NM_182914.3 (MANE Select); coding-DNA position 2031, one base duplicated (A; older notation c.2031dupA).
Protein change: p.Gln678fs; shifts the reading frame from glutamine 678.
Molecular consequence: frameshift variant.
Genome position (GRCh38, 1-based): chr14:63,983,766, A duplicated; the last of 7 consecutive A bases (chr14:63,983,760-63,983,766); duplicating any one gives the same sequence. VCF-style (leftmost placement, unchanged base first): chr14-63983759-T-TA. GRCh37 (hg19) VCF-style: chr14-64450477-T-TA.
Other names: c.2031dup, p.Gln678fs (NM_015180.6); short protein forms Q678fs.
Identifiers: ClinVar variation 546740 (VCV000546740.47), dbSNP rs750736888, ClinGen allele CA7219588.